The following is an entry in ClinVar:

NM_004153.4(ORC1):c.2077C>T (p.Arg693Trp)

Gene: ORC1 (origin recognition complex subunit 1; minus strand). Cytogenetic location: 1p32.3.
Variant type: single nucleotide variant.
Coding change: c.2077C>T on transcript NM_004153.4 (MANE Select); coding-DNA position 2077, C replaced by T.
Protein change: p.Arg693Trp; replaces arginine 693 with tryptophan.
Molecular consequence: missense variant.
Genome position (GRCh38, 1-based): chr1:52,381,698, G>A on the plus strand (C>T on the coding strand, the complement: ORC1 is on the minus strand). VCF-style: chr1-52381698-G-A. GRCh37 (hg19) VCF-style: chr1-52847370-G-A.
Other names: c.2077C>T, p.Arg693Trp (NM_001190818.2); c.2062C>T, p.Arg688Trp (NM_001190819.2); c.2077C>T (NM_004153.3); short protein forms R688W, R693W.
Identifiers: ClinVar variation 1515626 (VCV001515626.6), dbSNP rs759043194, ClinGen allele CA853129.

ClinVar aggregate classification (germline): Uncertain significance. Review status: criteria provided, multiple submitters, no conflicts (2 of 4 stars). 2 submissions from 2 submitters: Uncertain significance (2). Last evaluated 2025-12-02.

Conditions:
Inborn genetic diseases. Identifiers: MedGen C0950123, MeSH D030342.

Allele frequency attached by ClinVar (database versions not stated): ExAC 0.00002; gnomAD exomes 0.00003.
gnomAD v4.1: 50 of 1,613,248 alleles (0.0031%); highest among the groups gnomAD compares: South Asian, 0.0088%; no homozygotes.

Submissions (2):

Ambry Genetics
Classification: Uncertain significance for Inborn genetic diseases. Last evaluated: 2025-12-02. Review status: criteria provided, single submitter. Criteria: Ambry Variant Classification Scheme 2023. Collection method: clinical testing. Allele origin: germline.

Labcorp Genetics (formerly Invitae), Labcorp
Classification: Uncertain significance. Last evaluated: 2022-02-10. Review status: criteria provided, single submitter. Criteria: Invitae Variant Classification Sherloc (09022015). Collection method: clinical testing. Allele origin: germline.
Comment: This sequence change replaces arginine, which is basic and polar, with tryptophan, which is neutral and slightly polar, at codon 693 of the ORC1 protein (p.Arg693Trp). This variant is present in population databases (rs759043194, gnomAD 0.009%). This variant has not been reported in the literature in individuals affected with ORC1-related conditions. Algorithms developed to predict the effect of missense changes on protein structure and function (SIFT, PolyPhen-2, Align-GVGD) all suggest that this variant is likely to be disruptive. In summary, the available evidence is currently insufficient to determine the role of this variant in disease. Therefore, it has been classified as a Variant of Uncertain Significance.